The following is an entry in ClinVar:

NM_001379500.1(COL18A1):c.1247C>T (p.Pro416Leu)

Gene: COL18A1 (collagen type XVIII alpha 1 chain; plus strand). Cytogenetic location: 21q22.3.
Variant type: single nucleotide variant.
Coding change: c.1247C>T on transcript NM_001379500.1 (MANE Select); coding-DNA position 1247, C replaced by T.
Protein change: p.Pro416Leu; replaces proline 416 with leucine.
Molecular consequence: missense variant.
Genome position (GRCh38, 1-based): chr21:45,478,352, C>T. VCF-style: chr21-45478352-C-T. GRCh37 (hg19) VCF-style: chr21-46898266-C-T.
Other names: c.1787C>T, p.Pro596Leu (NM_030582.4); c.2492C>T, p.Pro831Leu (NM_130444.3); short protein forms P416L, P831L, P596L.
Identifiers: ClinVar variation 1362391 (VCV001362391.3), dbSNP rs768781599, ClinGen allele CA10066168.

ClinVar aggregate classification (germline): Uncertain significance (1 of 4 stars; one submission).

Allele frequency attached by ClinVar (database versions not stated): TOPMed 0.00001.

Submission:

Labcorp Genetics (formerly Invitae), Labcorp
Classification: Uncertain significance. Last evaluated: 2022-09-15. Review status: criteria provided, single submitter. Criteria: Invitae Variant Classification Sherloc (09022015). Collection method: clinical testing. Allele origin: germline.
Comment: This sequence change replaces proline, which is neutral and non-polar, with leucine, which is neutral and non-polar, at codon 416 of the COL18A1 protein (p.Pro416Leu). This variant is present in population databases (rs768781599, gnomAD 0.003%). This variant has not been reported in the literature in individuals affected with COL18A1-related conditions. ClinVar contains an entry for this variant (Variation ID: 1362391). Experimental studies and prediction algorithms are not available or were not evaluated, and the functional significance of this variant is currently unknown. In summary, the available evidence is currently insufficient to determine the role of this variant in disease. Therefore, it has been classified as a Variant of Uncertain Significance.